The following is an entry in ClinVar:

NM_000875.5(IGF1R):c.1503G>A (p.Ser501=)

Gene: IGF1R (insulin like growth factor 1 receptor; plus strand). Cytogenetic location: 15q26.3.
Variant type: single nucleotide variant.
Coding change: c.1503G>A on transcript NM_000875.5 (MANE Select); coding-DNA position 1503, G replaced by A.
Protein change: p.Ser501=; no amino-acid change (serine 501 retained).
Molecular consequence: synonymous variant.
Genome position (GRCh38, 1-based): chr15:98,911,355, G>A. VCF-style: chr15-98911355-G-A. GRCh37 (hg19) VCF-style: chr15-99454584-G-A.
Other names: c.1503G>A, p.Ser501= (NM_001291858.2).
Identifiers: ClinVar variation 792337 (VCV000792337.14), dbSNP rs562335164, ClinGen allele CA7752119.
Genomic context (GRCh38, chr15:98,911,355, plus strand): 5'-GGATGTACTCTTTGCCCCAGGTGAAAGTGACGTCCTGCATTTCACCTCCACCACCACGTC[G>A]AAGAATCGCATCATCATAACCTGGCACCGGTACCGGCCCCCTGACTACAGGGATCTCATC-3'
Protein context (NP_000866.1, residues 491-511): DVLHFTSTTT[Ser501=]KNRIIITWHR

ClinVar aggregate classification (germline): Conflicting classifications of pathogenicity. Review status: criteria provided, conflicting classifications (1 of 4 stars). 5 submissions from 5 submitters: Uncertain significance (1); Likely benign (4). Last evaluated 2026-08-11.

Conditions:
IGF1R-related disorder. Also called: IGF1R-related condition.
Growth delay due to insulin-like growth factor I resistance. Also called: Insulin-Like Growth Factor I Resistance; Somatomedin end-organ insensitivity to; Somatomedin-c resistance to; IGF-1 resistance; IGF-I RESISTANCE. Identifiers: Orphanet 73273, MedGen C1849157, MONDO:0010038, OMIM 270450.

Allele frequency attached by ClinVar (database versions not stated): gnomAD 0.00006 and 0.00010; gnomAD exomes 0.00007 and 0.00012; TOPMed 0.00007; ExAC 0.00011; 1000 Genomes Project 30x 0.00031; 1000 Genomes Project 0.00040.
gnomAD v4.1: 114 of 1,614,106 alleles (0.0071%); highest among the groups gnomAD compares: South Asian, 0.063%; no homozygotes.

Submissions (5):

PreventionGenetics, part of Exact Sciences
Classification: Likely benign for IGF1R-related condition. Last evaluated: 2026-08-11. Review status: criteria provided, single submitter. Criteria: ACMG Guidelines, 2015. Collection method: clinical testing. Allele origin: germline.
Comment: This variant is classified as likely benign based on ACMG/AMP sequence variant interpretation guidelines (Richards et al. 2015 PMID: 25741868, with internal and published modifications).

Women's Health and Genetics/Laboratory Corporation of America, LabCorp
Classification: Likely benign. Last evaluated: 2026-03-23. Review status: criteria provided, single submitter. Criteria: LabCorp Variant Classification Summary - May 2015. Collection method: clinical testing. Allele origin: germline.

Labcorp Genetics (formerly Invitae), Labcorp
Classification: Likely benign. Last evaluated: 2026-01-12. Review status: criteria provided, single submitter. Criteria: Invitae Variant Classification Sherloc (09022015). Collection method: clinical testing. Allele origin: germline.

Blueprint Genetics
Classification: Likely benign. Last evaluated: 2023-01-20. Review status: criteria provided, single submitter. Criteria: ACMG Guidelines, 2015. Collection method: clinical testing. Allele origin: germline.

Illumina Laboratory Services, Illumina
Classification: Uncertain significance for Growth delay due to insulin-like growth factor I resistance. Last evaluated: 2018-01-13. Review status: criteria provided, single submitter. Criteria: ICSL Variant Classification Criteria 13 December 2019. Collection method: clinical testing. Allele origin: germline.